The following is an entry in ClinVar:

NM_003579.4(RAD54L):c.2204T>C (p.Phe735Ser)

Genes: LRRC41 (leucine rich repeat containing 41; minus strand), RAD54L (RAD54 like; plus strand). Cytogenetic location: 1p34.1.
Variant type: single nucleotide variant.
Coding change: c.2204T>C on transcript NM_003579.4 (MANE Select); coding-DNA position 2204, T replaced by C.
Protein change: p.Phe735Ser; replaces phenylalanine 735 with serine.
Molecular consequence: missense variant. On other transcripts: 3 prime UTR variant (1).
Genome position (GRCh38, 1-based): chr1:46,278,242, T>C. VCF-style: chr1-46278242-T-C. GRCh37 (hg19) VCF-style: chr1-46743914-T-C.
Other names: c.*623A>G (NM_006369.5); c.2204T>C, p.Phe735Ser (NM_001142548.2); c.1664T>C, p.Phe555Ser (NM_001370766.1); short protein forms F555S, F735S.
Identifiers: ClinVar variation 2496816 (VCV002496816.2), dbSNP rs2148309290, ClinGen allele CA340191450.

ClinVar aggregate classification (germline): Uncertain significance (1 of 4 stars; one submission).

Allele frequency attached by ClinVar (database versions not stated): gnomAD exomes below 0.00001.
gnomAD v4.1: 1 of 1,613,844 alleles (0.000062%); highest among the groups gnomAD compares: Non-Finnish European, 0.000085%; no homozygotes.

Submission:

Ambry Genetics
Classification: Uncertain significance. Last evaluated: 2022-12-18. Review status: criteria provided, single submitter. Criteria: Ambry Variant Classification Scheme 2023. Collection method: clinical testing. Allele origin: germline.
Comment: The p.F735S variant (also known as c.2204T>C), located in coding exon 18 of the RAD54L gene, results from a T to C substitution at nucleotide position 2204. The phenylalanine at codon 735 is replaced by serine, an amino acid with highly dissimilar properties. This amino acid position is conserved. In addition, this alteration is predicted to be deleterious by in silico analysis. Since supporting evidence is limited at this time, the clinical significance of this alteration remains unclear.